The following is an entry in ClinVar:

NM_005732.4(RAD50):c.1247A>G (p.Asn416Ser)

Gene: RAD50 (RAD50 double strand break repair protein; plus strand). Cytogenetic location: 5q31.1.
Variant type: single nucleotide variant.
Coding change: c.1247A>G on transcript NM_005732.4 (MANE Select); coding-DNA position 1247, A replaced by G.
Protein change: p.Asn416Ser; replaces asparagine 416 with serine.
Molecular consequence: missense variant.
Genome position (GRCh38, 1-based): chr5:132,589,632, A>G. VCF-style: chr5-132589632-A-G. GRCh37 (hg19) VCF-style: chr5-131925324-A-G.
Other names: short protein forms N416S.
Identifiers: ClinVar variation 484722 (VCV000484722.13), dbSNP rs1554098297, ClinGen allele CA360943546.

ClinVar aggregate classification (germline): Uncertain significance. Review status: criteria provided, multiple submitters, no conflicts (2 of 4 stars). 2 submissions from 2 submitters: Uncertain significance (2). Last evaluated 2023-07-05.

Conditions:
Hereditary cancer-predisposing syndrome. Also called: Neoplastic Syndromes, Hereditary; Tumor predisposition; Hereditary Cancer Syndrome; Hereditary neoplastic syndrome. Identifiers: Orphanet 140162, MedGen C0027672, MeSH D009386, MONDO:0015356.

Submissions (2):

Ambry Genetics
Classification: Uncertain significance for Hereditary cancer-predisposing syndrome. Last evaluated: 2023-07-05. Review status: criteria provided, single submitter. Criteria: Ambry Variant Classification Scheme 2023. Collection method: clinical testing. Allele origin: germline.
Comment: The p.N416S variant (also known as c.1247A>G), located in coding exon 9 of the RAD50 gene, results from an A to G substitution at nucleotide position 1247. The asparagine at codon 416 is replaced by serine, an amino acid with highly similar properties. This amino acid position is not well conserved in available vertebrate species. In addition, this alteration is predicted to be tolerated by in silico analysis. Since supporting evidence is limited at this time, the clinical significance of this alteration remains unclear.

Labcorp Genetics (formerly Invitae), Labcorp
Classification: Uncertain significance for Hereditary cancer-predisposing syndrome. Last evaluated: 2020-11-10. Review status: criteria provided, single submitter. Criteria: Invitae Variant Classification Sherloc (09022015). Collection method: clinical testing. Allele origin: germline.
Comment: In summary, the available evidence is currently insufficient to determine the role of this variant in disease. Therefore, it has been classified as a Variant of Uncertain Significance. Algorithms developed to predict the effect of missense changes on protein structure and function output the following: SIFT: "Tolerated"; PolyPhen-2: "Benign"; Align-GVGD: "Class C0". The serine amino acid residue is found in multiple mammalian species, suggesting that this missense change does not adversely affect protein function. These predictions have not been confirmed by published functional studies and their clinical significance is uncertain. This variant has not been reported in the literature in individuals with RAD50-related conditions. ClinVar contains an entry for this variant (Variation ID: 484722). This variant is not present in population databases (ExAC no frequency). This sequence change replaces asparagine with serine at codon 416 of the RAD50 protein (p.Asn416Ser). The asparagine residue is weakly conserved and there is a small physicochemical difference between asparagine and serine.